The following is an entry in ClinVar:

ClinVar aggregate classification (germline): Uncertain significance. Review status: reviewed by expert panel (3 of 4 stars). 3 submissions from 3 submitters: Uncertain significance (1). 2 of the submissions do not count toward it. Last evaluated 2024-09-25.

Conditions:
Inborn genetic diseases. Identifiers: MedGen C0950123, MeSH D030342.
Hereditary thrombocytopenia and hematological cancer predisposition syndrome associated with RUNX1. Also called: Familial Platelet Disorder with Propensity to Acute Myelogenous Leukemia; Familial thrombocytopenia with propensity to acute myelogenous leukemia; RUNX1 Familial Platelet Disorder with Associated Myeloid Malignancies; PLATELET DISORDER, ASPIRIN-LIKE. Identifiers: Orphanet 71290, MedGen C1832388, MeSH C563324, MONDO:0100083, OMIM 601399.
Hereditary thrombocytopenia and hematologic cancer predisposition syndrome. Identifiers: Orphanet 71290, MedGen CN281654, MONDO:0011071.

Submissions (3):

ClinGen Myeloid Malignancy Variant Curation Expert Panel
Classification: Uncertain significance for Hereditary thrombocytopenia and hematologic cancer predisposition syndrome. Last evaluated: 2024-09-25. Review status: reviewed by expert panel. Criteria: ClinGen MyeloMalig ACMG Specifications v2. Collection method: curation. Allele origin: germline. Inheritance: Autosomal dominant inheritance.
Comment: NM_001754.5(RUNX1):c.1368G>C (p.Glu456Asp) is a missense variant. This variant is completely absent from all population databases with at least 20x coverage for RUNX1 in gnomAD v2.1.1 and v3.1.2 (PM2_Supporting). This missense variant has a REVEL score <0.50 (0.09) and SpliceAI score is ≤ 0.20 (0) (BP4). In summary, the clinical significance of this variant is uncertain. ACMG/AMP criteria applied, as specified by the Myeloid Malignancy Variant Curation Expert Panel for RUNX1: BP4, PM2_Supporting.

Ambry Genetics
Classification: Uncertain significance for Inborn genetic diseases. Last evaluated: 2025-10-17. Review status: criteria provided, single submitter. Criteria: Ambry Variant Classification Scheme 2023. Collection method: clinical testing. Allele origin: germline. Not counted in ClinVar's aggregate classification.
Comment: The p.E456D variant (also known as c.1368G>C), located in coding exon 8 of the RUNX1 gene, results from a G to C substitution at nucleotide position 1368. The glutamic acid at codon 456 is replaced by aspartic acid, an amino acid with highly similar properties. This amino acid position is conserved. In addition, this alteration is predicted to be tolerated by in silico analysis. Based on the available evidence, the clinical significance of this variant remains unclear.

Labcorp Genetics (formerly Invitae), Labcorp
Classification: Uncertain significance for Hereditary thrombocytopenia and hematological cancer predisposition syndrome associated with RUNX1. Last evaluated: 2019-10-15. Review status: criteria provided, single submitter. Criteria: Invitae Variant Classification Sherloc (09022015). Collection method: clinical testing. Allele origin: germline. Not counted in ClinVar's aggregate classification.
Comment: In summary, the available evidence is currently insufficient to determine the role of this variant in disease. Therefore, it has been classified as a Variant of Uncertain Significance. Algorithms developed to predict the effect of missense changes on protein structure and function (SIFT, PolyPhen-2, Align-GVGD) all suggest that this variant is likely to be tolerated, but these predictions have not been confirmed by published functional studies and their clinical significance is uncertain. This variant has not been reported in the literature in individuals with RUNX1-related conditions. The frequency data for this variant in the population databases is considered unreliable, as metrics indicate insufficient coverage at this position in the ExAC database. This sequence change replaces glutamic acid with aspartic acid at codon 456 of the RUNX1 protein (p.Glu456Asp). The glutamic acid residue is highly conserved and there is a small physicochemical difference between glutamic acid and aspartic acid.

NM_001754.5(RUNX1):c.1368G>C (p.Glu456Asp)

Gene: RUNX1 (RUNX family transcription factor 1; minus strand). Cytogenetic location: 21q22.12.
Variant type: single nucleotide variant.
Coding change: c.1368G>C on transcript NM_001754.5 (MANE Select); coding-DNA position 1368, G replaced by C.
Protein change: p.Glu456Asp; replaces glutamic acid 456 with aspartic acid.
Molecular consequence: missense variant.
Genome position (GRCh38, 1-based): chr21:34,792,210, C>G on the plus strand (G>C on the coding strand, the complement: RUNX1 is on the minus strand). VCF-style: chr21-34792210-C-G. GRCh37 (hg19) VCF-style: chr21-36164507-C-G.
Other names: NM_001754.5(RUNX1):c.1368G>C; p.Glu456Asp; c.1287G>C, p.Glu429Asp (NM_001001890.3); short protein forms E456D, E429D.
Identifiers: ClinVar variation 966213 (VCV000966213.11), dbSNP rs1215912737, ClinGen allele CA410147103.